The following is an entry in ClinVar:

ClinVar aggregate classification (germline): Benign. Review status: criteria provided, multiple submitters, no conflicts (2 of 4 stars). 7 submissions from 7 submitters: Benign (4). 3 of the submissions do not count toward it. Last evaluated 2026-01-05.

Conditions:
DEPDC5-related disorder. Also called: DEPDC5-related condition; DEPDC5-related related disorder.
Familial focal epilepsy with variable foci (FPEVF). Identifiers: Orphanet 98820, MedGen C1858477, MONDO:0020310.
Inborn genetic diseases. Identifiers: MedGen C0950123, MeSH D030342.
Epilepsy, familial focal, with variable foci 1 (FFEVF1). Also called: DEPDC5-Related Epilepsy. Identifiers: MedGen C4551983, MONDO:0024556, OMIM 604364.

Allele frequency attached by ClinVar (database versions not stated): TOPMed 0.00022; gnomAD exomes 0.00019 and 0.00037; ExAC 0.00024; gnomAD 0.00019 and 0.00017.

Submissions (7):

Labcorp Genetics (formerly Invitae), Labcorp
Classification: Benign for Familial focal epilepsy with variable foci. Last evaluated: 2026-01-05. Review status: criteria provided, single submitter. Criteria: Invitae Variant Classification Sherloc (09022015). Collection method: clinical testing. Allele origin: germline.

GeneDx
Classification: Benign. Last evaluated: 2020-01-22. Review status: criteria provided, single submitter. Criteria: GeneDx Variant Classification Process June 2021. Collection method: clinical testing. Allele origin: germline. Affected: yes.
Comment: This variant is associated with the following publications: (PMID: 26505888, 30093711)

Ambry Genetics
Classification: Benign for Inborn genetic diseases. Last evaluated: 2019-07-23. Review status: criteria provided, single submitter. Criteria: Ambry Variant Classification Scheme 2023. Collection method: clinical testing. Allele origin: germline.

Athena Diagnostics
Classification: Benign. Last evaluated: 2018-04-27. Review status: criteria provided, single submitter. Criteria: Athena Diagnostics Criteria. Collection method: clinical testing. Allele origin: germline.

PreventionGenetics, part of Exact Sciences
Classification: Likely benign for DEPDC5-related condition. Last evaluated: 2021-04-08. Review status: no assertion criteria provided. Collection method: clinical testing. Allele origin: germline. Not counted in ClinVar's aggregate classification.
Comment: This variant is classified as likely benign based on ACMG/AMP sequence variant interpretation guidelines (Richards et al. 2015 PMID: 25741868, with internal and published modifications).

GeneReviews
No classification provided. Condition: Epilepsy, familial focal, with variable foci 1. Review status: no classification provided. Collection method: literature only. Allele origin: germline. Affected: yes. Not counted in ClinVar's aggregate classification.

New York Genome Center
Classification: Uncertain significance for Epilepsy, familial focal, with variable foci 1. Last evaluated: 2021-02-19. Review status: flagged submission. Criteria: NYGC Assertion Criteria 2020. Collection method: clinical testing. Allele origin: inherited. Observed: 1 heterozygote. Study: CSER-NYCKidSeq. Not counted in ClinVar's aggregate classification.
ClinVar note: Reason: Claim with insufficient supporting evidence

Literature cited by the submitters: PubMed 26505888 (cited by 3 submitters); NCBI Bookshelf NBK385626 (cited by GeneReviews).

NM_001242896.3(DEPDC5):c.161A>C (p.Gln54Pro)

Gene: DEPDC5 (DEP domain containing 5, GATOR1 subcomplex subunit; plus strand). Cytogenetic location: 22q12.2.
Variant type: single nucleotide variant.
Coding change: c.161A>C on transcript NM_001242896.3 (MANE Select); coding-DNA position 161, A replaced by C.
Protein change: p.Gln54Pro; replaces glutamine 54 with proline.
Molecular consequence: missense variant. On other transcripts: non-coding transcript variant (5).
Genome position (GRCh38, 1-based): chr22:31,760,670, A>C. VCF-style: chr22-31760670-A-C. GRCh37 (hg19) VCF-style: chr22-32156656-A-C.
Other names: c.161A>C, p.Gln54Pro (NM_001007188.4, NM_001136029.4, NM_001242897.2 and 9 more transcripts); short protein forms Q54P.
Identifiers: ClinVar variation 264749 (VCV000264749.21), dbSNP rs201312113, ClinGen allele CA10195853.